The following is an entry in ClinVar:

NM_001009944.3(PKD1):c.9401C>T (p.Thr3134Ile)

Gene: PKD1 (polycystin 1, transient receptor potential channel interacting; minus strand). Cytogenetic location: 16p13.3.
Variant type: single nucleotide variant.
Coding change: c.9401C>T on transcript NM_001009944.3 (MANE Select); coding-DNA position 9401, C replaced by T.
Protein change: p.Thr3134Ile; replaces threonine 3134 with isoleucine.
Molecular consequence: missense variant.
Genome position (GRCh38, 1-based): chr16:2,100,563, G>A on the plus strand (C>T on the coding strand, the complement: PKD1 is on the minus strand). VCF-style: chr16-2100563-G-A. GRCh37 (hg19) VCF-style: chr16-2150564-G-A.
Other names: c.9401C>T, p.Thr3134Ile (NM_000296.4); short protein forms T3134I.
Identifiers: ClinVar variation 997099 (VCV000997099.2), dbSNP rs2092053154, ClinGen allele CA394356694.

ClinVar aggregate classification (germline): Uncertain significance. Review status: criteria provided, single submitter (1 of 4 stars). 2 submissions from 2 submitters: Uncertain significance (1). 1 of the submissions does not count toward it. Last evaluated 2022-03-31.

Conditions:
Polycystic kidney disease. Also called: Polycystic kidney dysplasia; Kidney, Polycystic. Identifiers: MedGen C0022680, MeSH D007690, MONDO:0020642, HP:0000113.
Polycystic kidney disease, adult type (PKD1). Also called: POLYCYSTIC KIDNEY DISEASE, ADULT, TYPE I; Polycystic Kidney Disease 1, Autosomal Dominant; Polycystic kidney disease 1; Polycystic kidney disease 1, severe; Polycystic Kidney, Autosomal Dominant; POLYCYSTIC KIDNEY DISEASE 1 WITH OR WITHOUT POLYCYSTIC LIVER DISEASE. Identifiers: MedGen C3149841, MONDO:0008263, OMIM 173900.

Submissions (2):

Victorian Clinical Genetics Services, Murdoch Childrens Research Institute
Classification: Uncertain significance for Polycystic kidney disease, adult type. Last evaluated: 2022-03-31. Review status: criteria provided, single submitter. Criteria: ACMG Guidelines, 2015. Collection method: clinical testing. Allele origin: germline. Inheritance: Autosomal dominant inheritance. Affected: yes.
Comment: Based on the classification scheme VCGS_Germline_v1.3.4, this variant is classified as VUS-3B. Following criteria are met: 0102 - Loss of function is a known mechanism of disease in this gene and is associated with polycystic kidney disease 1 (MIM#173900). (I) 0107 - This gene is associated with autosomal dominant disease. Polycystic kidney disease 1 (MIM#173900) is predominantly caused by monoallelic variants, with rare reports of biallelic variants causing disease (OMIM). (I) 0200 - Variant is predicted to result in a missense amino acid change from threonine to isoleucine. (I) 0251 - This variant is heterozygous. (I) 0301 - Variant is absent from gnomAD (both v2 and v3). (SP) 0309 - Multiple alternative amino acid changes at the same position have been observed in gnomAD (highest allele count: 1 heterozygotes, 0 homozygotes). (I) 0502 - Missense variant with conflicting in silico predictions and high conservation. (I) 0600 - Variant is located in the annotated PLAT/LH2 domain (DECIPHER). (I) 0705 - No comparable missense variants have previous evidence for pathogenicity. (I) 0809 - Previous evidence of pathogenicity for this variant is inconclusive. This variant has been reported once as a VUS by a clinical laboratory in ClinVar. (I) 0905 - No published segregation evidence has been identified for this variant. (I) 1007 - No published functional evidence has been identified for this variant. (I) 1208 - Inheritance information for this variant is not currently available in this individual. (I) Legend: (SP) - Supporting pathogenic, (I) - Information, (SB) - Supporting benign

Department of Pathology and Laboratory Medicine, Sinai Health System
Classification: Uncertain significance for Polycystic Kidney disease. Review status: no assertion criteria provided. Collection method: clinical testing. Allele origin: unknown. Affected: yes. Study: The Canadian Open Genetics Repository (COGR). Not counted in ClinVar's aggregate classification.
Comment: The PKD1 p.Thr3134Ile variant was not identified in the literature nor was it identified in the dbSNP, ClinVar, COGR, LOVD 3.0, ADPKD Mutation Database, or PKD1-LOVD databases. The variant was not identified in the 1000 Genomes Project, the NHLBI GO Exome Sequencing Project or the Exome Aggregation Consortium control databases (August 8th 2016). The p.Thr3134 residue is conserved across mammals and other organisms, and computational analyses (PolyPhen-2, SIFT, AlignGVGD, BLOSUM, MutationTaster) suggest that the variant may impact the protein; however, this information is not predictive enough to assume pathogenicity. The variant occurs outside of the splicing consensus sequence and 1 of 5 in silico or computational prediction software programs (SpliceSiteFinder, MaxEntScan, NNSPLICE, GeneSplicer, HumanSpliceFinder) predict a greater than 10% difference in splicing; this is not very predictive of pathogenicity. In summary, based on the above information, the clinical significance of this variant cannot be determined with certainty at this time. This variant is classified as a variant of uncertain significance.